The following is an entry in ClinVar:

NM_017636.4(TRPM4):c.1611G>C (p.Met537Ile)

Gene: TRPM4 (transient receptor potential cation channel subfamily M member 4; plus strand). Cytogenetic location: 19q13.33.
Variant type: single nucleotide variant.
Coding change: c.1611G>C on transcript NM_017636.4 (MANE Select); coding-DNA position 1611, G replaced by C.
Protein change: p.Met537Ile; replaces methionine 537 with isoleucine.
Molecular consequence: missense variant. On other transcripts: initiator codon variant (1).
Genome position (GRCh38, 1-based): chr19:49,183,080, G>C. VCF-style: chr19-49183080-G-C. GRCh37 (hg19) VCF-style: chr19-49686337-G-C.
Other names: c.1611G>C, p.Met537Ile (NM_001195227.2); c.1266G>C, p.Met422Ile (NM_001321281.2); c.3G>C, p.Met1Ile (NM_001321282.2); c.1089G>C, p.Met363Ile (NM_001321283.2); c.549G>C, p.Met183Ile (NM_001321285.2); short protein forms M422I, M1I, M537I, M183I, M363I.
Identifiers: ClinVar variation 1776409 (VCV001776409.4), dbSNP rs372498983, ClinGen allele CA309443458.
Genomic context (GRCh38, chr19:49,183,080, plus strand): 5'-TGGTGGTGGCCAGTGTTGGGGAGGGGCTGGTCCTCACCACCCCTCCTTTTGCTGGCAGAT[G>C]TATCTGCTCTCGGACAAGGCCACCTCGCCGCTCTCGCTGGATGCTGGCCTCGGGCAGGCC-3'
Protein context (NP_060106.2, residues 527-547): PHPGQGFGES[Met537Ile]YLLSDKATSP

ClinVar aggregate classification (germline): Uncertain significance. Review status: criteria provided, multiple submitters, no conflicts (2 of 4 stars). 2 submissions from 2 submitters: Uncertain significance (2). Last evaluated 2025-03-26.

Conditions:
Cardiovascular phenotype. Identifiers: MedGen CN230736.
Progressive familial heart block type IB (PFHB1B). Identifiers: Orphanet 871, MedGen C1970298, MONDO:0011474, OMIM 604559.

gnomAD v4.1: 1 of 1,611,972 alleles (0.000062%); highest among the groups gnomAD compares: African/African-American, 0.0013%; no homozygotes.

Submissions (2):

Labcorp Genetics (formerly Invitae), Labcorp
Classification: Uncertain significance for Progressive familial heart block type IB. Last evaluated: 2025-03-26. Review status: criteria provided, single submitter. Criteria: Invitae Variant Classification Sherloc (09022015). Collection method: clinical testing. Allele origin: germline.
Comment: This sequence change replaces methionine, which is neutral and non-polar, with isoleucine, which is neutral and non-polar, at codon 537 of the TRPM4 protein (p.Met537Ile). This variant is not present in population databases (gnomAD no frequency). This variant has not been reported in the literature in individuals affected with TRPM4-related conditions. ClinVar contains an entry for this variant (Variation ID: 1776409). An algorithm developed to predict the effect of missense changes on protein structure and function (PolyPhen-2) suggests that this variant is likely to be tolerated. In summary, the available evidence is currently insufficient to determine the role of this variant in disease. Therefore, it has been classified as a Variant of Uncertain Significance.

Ambry Genetics
Classification: Uncertain significance for Cardiovascular phenotype. Last evaluated: 2020-02-26. Review status: criteria provided, single submitter. Criteria: Ambry Variant Classification Scheme 2023. Collection method: clinical testing. Allele origin: germline.
Comment: The p.M537I variant (also known as c.1611G>C), located in coding exon 12 of the TRPM4 gene, results from a G to C substitution at nucleotide position 1611. The methionine at codon 537 is replaced by isoleucine, an amino acid with highly similar properties. This amino acid position is poorly conserved in available vertebrate species. In addition, this alteration is predicted to be tolerated by in silico analysis. Since supporting evidence is limited at this time, the clinical significance of this alteration remains unclear.